The following is an entry in ClinVar:

ClinVar aggregate classification (germline): Conflicting classifications of pathogenicity. Review status: criteria provided, conflicting classifications (1 of 4 stars). 2 submissions from 2 submitters: Likely pathogenic (1); Uncertain significance (1). Last evaluated 2025-07-15.

Submissions (2):

GeneDx
Classification: Likely pathogenic. Last evaluated: 2025-07-15. Review status: criteria provided, single submitter. Criteria: GeneDx Variant Classification Process June 2021. Collection method: clinical testing. Allele origin: germline.
Comment: Not observed at significant frequency in large population cohorts (gnomAD); Missense variants in this gene are often considered pathogenic (HGMD); In silico analysis supports that this missense variant has a deleterious effect on protein structure/function; Has not been previously published as pathogenic or benign to our knowledge; This variant is associated with the following publications: (PMID: 24860126)

Labcorp Genetics (formerly Invitae), Labcorp
Classification: Uncertain significance. Last evaluated: 2022-03-25. Review status: criteria provided, single submitter. Criteria: Invitae Variant Classification Sherloc (09022015). Collection method: clinical testing. Allele origin: germline.
Comment: In summary, the available evidence is currently insufficient to determine the role of this variant in disease. Therefore, it has been classified as a Variant of Uncertain Significance. Algorithms developed to predict the effect of missense changes on protein structure and function are either unavailable or do not agree on the potential impact of this missense change (SIFT: "Deleterious"; PolyPhen-2: "Benign"; Align-GVGD: "Class C15"). This variant has not been reported in the literature in individuals affected with TUBA1A-related conditions. This variant is not present in population databases (gnomAD no frequency). This sequence change replaces glutamine, which is neutral and polar, with histidine, which is basic and polar, at codon 176 of the TUBA1A protein (p.Gln176His).

NM_006009.4(TUBA1A):c.528G>T (p.Gln176His)

Gene: TUBA1A (tubulin alpha 1a; minus strand). Cytogenetic location: 12q13.12.
Variant type: single nucleotide variant.
Coding change: c.528G>T on transcript NM_006009.4 (MANE Select); coding-DNA position 528, G replaced by T.
Protein change: p.Gln176His; replaces glutamine 176 with histidine.
Molecular consequence: missense variant.
Genome position (GRCh38, 1-based): chr12:49,185,838, C>A on the plus strand (G>T on the coding strand, the complement: TUBA1A is on the minus strand). VCF-style: chr12-49185838-C-A. GRCh37 (hg19) VCF-style: chr12-49579621-C-A.
Other names: c.528G>T, p.Gln176His (NM_001270399.2); c.423G>T, p.Gln141His (NM_001270400.2); short protein forms Q141H, Q176H.
Identifiers: ClinVar variation 1803307 (VCV001803307.6), dbSNP rs2498860952, ClinGen allele CA384641948.